The following is an entry in ClinVar:

NM_005732.4(RAD50):c.2368A>G (p.Thr790Ala)

Gene: RAD50 (RAD50 double strand break repair protein; plus strand). Cytogenetic location: 5q31.1.
Variant type: single nucleotide variant.
Coding change: c.2368A>G on transcript NM_005732.4 (MANE Select); coding-DNA position 2368, A replaced by G.
Protein change: p.Thr790Ala; replaces threonine 790 with alanine.
Molecular consequence: missense variant.
Genome position (GRCh38, 1-based): chr5:132,603,460, A>G. VCF-style: chr5-132603460-A-G. GRCh37 (hg19) VCF-style: chr5-131939152-A-G.
Other names: c.2368A>G (NM_005732.3); short protein forms T790A.
Identifiers: ClinVar variation 2135770 (VCV002135770.5), dbSNP rs2479665161, ClinGen allele CA360954964.
Genomic context (GRCh38, chr5:132,603,460, plus strand): 5'-GAACAAGAAACACTCTTGGGTACAATAATGCCTGAAGAAGAAAGTGCCAAAGTATGCCTG[A>G]CAGATGTTACAATTATGGAGAGGTTCCAGGTAAGTTTATTGTAGTTTAAGGCAGAATAAA-3'
Protein context (NP_005723.2, residues 780-800): PEEESAKVCL[Thr790Ala]DVTIMERFQM

ClinVar aggregate classification (germline): Uncertain significance. Review status: criteria provided, multiple submitters, no conflicts (2 of 4 stars). 2 submissions from 2 submitters: Uncertain significance (2). Last evaluated 2026-08-05.

Conditions:
Hereditary cancer-predisposing syndrome. Also called: Tumor predisposition; Hereditary Cancer Syndrome; Hereditary neoplastic syndrome; Neoplastic Syndromes, Hereditary. Identifiers: Orphanet 140162, MedGen C0027672, MeSH D009386, MONDO:0015356.

Submissions (2):

Ambry Genetics
Classification: Uncertain significance for Hereditary cancer-predisposing syndrome. Last evaluated: 2026-08-05. Review status: criteria provided, single submitter. Criteria: Ambry Variant Classification Scheme 2023. Collection method: clinical testing. Allele origin: germline.
Comment: The p.T790A variant (also known as c.2368A>G), located in coding exon 14 of the RAD50 gene, results from an A to G substitution at nucleotide position 2368. The threonine at codon 790 is replaced by alanine, an amino acid with similar properties. This amino acid position is conserved. In addition, this alteration is predicted to be tolerated by in silico analysis. Based on the available evidence, the clinical significance of this variant remains unclear.

Labcorp Genetics (formerly Invitae), Labcorp
Classification: Uncertain significance for Hereditary cancer-predisposing syndrome. Last evaluated: 2022-05-09. Review status: criteria provided, single submitter. Criteria: Invitae Variant Classification Sherloc (09022015). Collection method: clinical testing. Allele origin: germline.
Comment: In summary, the available evidence is currently insufficient to determine the role of this variant in disease. Therefore, it has been classified as a Variant of Uncertain Significance. Algorithms developed to predict the effect of missense changes on protein structure and function (SIFT, PolyPhen-2, Align-GVGD) all suggest that this variant is likely to be tolerated. This variant has not been reported in the literature in individuals affected with RAD50-related conditions. This variant is not present in population databases (gnomAD no frequency). This sequence change replaces threonine, which is neutral and polar, with alanine, which is neutral and non-polar, at codon 790 of the RAD50 protein (p.Thr790Ala).